The following is an entry in ClinVar:

ClinVar aggregate classification (germline): Conflicting classifications of pathogenicity. Review status: criteria provided, conflicting classifications (1 of 4 stars). 3 submissions from 3 submitters: Pathogenic (1); Likely pathogenic (1); Uncertain significance (1). Last evaluated 2023-07-31.

Conditions:
Developmental and epileptic encephalopathy, 42 (DEE42A). Also called: EPILEPTIC ENCEPHALOPATHY, EARLY INFANTILE, 42A; DEVELOPMENTAL AND EPILEPTIC ENCEPHALOPATHY 42A; Epileptic encephalopathy, early infantile, 42. Identifiers: MedGen C4310716, MONDO:0014917, OMIM 617106.
Episodic ataxia type 2 (EA2). Also called: ACETAZOLAMIDE-RESPONSIVE HEREDITARY PAROXYSMAL CEREBELLAR ATAXIA; ATAXIA, EPISODIC, WITH NYSTAGMUS; ATAXIA, FAMILIAL PAROXYSMAL; CEREBELLAR ATAXIA, PAROXYSMAL, ACETAZOLAMIDE-RESPONSIVE; CEREBELLOPATHY, HEREDITARY PAROXYSMAL; EPISODIC ATAXIA, NYSTAGMUS-ASSOCIATED. Identifiers: Orphanet 97, MedGen C1720416, MONDO:0007163, OMIM 108500.

Submissions (3):

Institute of Human Genetics, University of Leipzig Medical Center
Classification: Likely pathogenic for Developmental and epileptic encephalopathy, 42. Last evaluated: 2023-07-31. Review status: criteria provided, single submitter. Criteria: ACMG Guidelines, 2015. Collection method: clinical testing. Allele origin: unknown. Inheritance: Autosomal dominant inheritance. Affected: yes.
Comment: Criteria applied: PM1,PS4_SUP,PM2,PP3,PS2_MOD

GeneDx
Classification: Pathogenic. Last evaluated: 2023-01-03. Review status: criteria provided, single submitter. Criteria: GeneDx Variant Classification Process June 2021. Collection method: clinical testing. Allele origin: germline. Affected: yes.
Comment: Not observed at significant frequency in large population cohorts (gnomAD); In silico analysis supports that this missense variant has a deleterious effect on protein structure/function; Has not been previously published as pathogenic or benign to our knowledge

Labcorp Genetics (formerly Invitae), Labcorp
Classification: Uncertain significance for Developmental and epileptic encephalopathy, 42; Episodic ataxia type 2. Last evaluated: 2022-03-27. Review status: criteria provided, single submitter. Criteria: Invitae Variant Classification Sherloc (09022015). Collection method: clinical testing. Allele origin: germline.
Comment: This sequence change replaces asparagine, which is neutral and polar, with threonine, which is neutral and polar, at codon 1804 of the CACNA1A protein (p.Asn1804Thr). This variant is not present in population databases (gnomAD no frequency). This variant has not been reported in the literature in individuals affected with CACNA1A-related conditions. Advanced modeling of protein sequence and biophysical properties (such as structural, functional, and spatial information, amino acid conservation, physicochemical variation, residue mobility, and thermodynamic stability) performed at Invitae indicates that this missense variant is expected to disrupt CACNA1A protein function. In summary, the available evidence is currently insufficient to determine the role of this variant in disease. Therefore, it has been classified as a Variant of Uncertain Significance.

NM_001127222.2(CACNA1A):c.5408A>C (p.Asn1803Thr)

Gene: CACNA1A (calcium voltage-gated channel subunit alpha1 A; minus strand). Cytogenetic location: 19p13.13.
Variant type: single nucleotide variant.
Coding change: c.5408A>C on transcript NM_001127222.2 (MANE Select); coding-DNA position 5408, A replaced by C.
Protein change: p.Asn1803Thr; replaces asparagine 1803 with threonine.
Molecular consequence: missense variant.
Genome position (GRCh38, 1-based): chr19:13,230,202, T>G on the plus strand (A>C on the coding strand, the complement: CACNA1A is on the minus strand). VCF-style: chr19-13230202-T-G. GRCh37 (hg19) VCF-style: chr19-13341016-T-G.
Other names: c.5426A>C, p.Asn1809Thr (NM_000068.4, NM_023035.3); c.5411A>C, p.Asn1804Thr (NM_001127221.2); c.5417A>C, p.Asn1806Thr (NM_001174080.2); short protein forms N1806T, N1809T, N1804T, N1803T.
Identifiers: ClinVar variation 2117932 (VCV002117932.7), dbSNP rs2512618280, ClinGen allele CA404333800.